The following is an entry in ClinVar:

ClinVar aggregate classification (germline): Pathogenic. Review status: criteria provided, multiple submitters, no conflicts (2 of 4 stars). 3 submissions from 3 submitters: Pathogenic (2). 1 of the submissions does not count toward it. Last evaluated 2025-06-02.

Conditions:
Hereditary cancer-predisposing syndrome. Also called: Hereditary neoplastic syndrome; Tumor predisposition; Neoplastic Syndromes, Hereditary; Hereditary Cancer Syndrome. Identifiers: Orphanet 140162, MedGen C0027672, MeSH D009386, MONDO:0015356.
Cardiovascular phenotype. Identifiers: MedGen CN230736.
Neurofibromatosis, type 1 (NF1). Also called: Neurofibromatosis, type I; NEUROFIBROMATOSIS, TYPE I, SOMATIC; Peripheral type neurofibromatosis; VON RECKLINGHAUSEN DISEASE. Identifiers: Orphanet 636, MedGen C0027831, MONDO:0018975, OMIM 162200. Disease mechanism: loss of function.

Submissions (3):

GeneDx
Classification: Pathogenic. Last evaluated: 2025-06-02. Review status: criteria provided, single submitter. Criteria: GeneDx Variant Classification Process June 2021. Collection method: clinical testing. Allele origin: germline. Affected: yes.
Comment: Frameshift variant predicted to result in protein truncation or nonsense mediated decay in a gene for which loss of function is a known mechanism of disease; Not observed at significant frequency in large population cohorts (gnomAD); This variant is associated with the following publications: (PMID: 28961165)

Ambry Genetics
Classification: Pathogenic for Cardiovascular phenotype; Hereditary cancer-predisposing syndrome. Last evaluated: 2021-07-01. Review status: criteria provided, single submitter. Criteria: Ambry Variant Classification Scheme 2023. Collection method: clinical testing. Allele origin: germline.
Comment: The c.4935dupT pathogenic mutation, located in coding exon 36 of the NF1 gene, results from a duplication of T at nucleotide position 4935, causing a translational frameshift with a predicted alternate stop codon (p.P1646Sfs*15). This alteration was identified once in a cohort of patients affected with Neurofibromatosis Type 1 (Bonatti F et al. Int J Mol Sci, 2017 Sep;18:). This alteration is expected to result in loss of function by premature protein truncation or nonsense-mediated mRNA decay. As such, this alteration is interpreted as a disease-causing mutation.

Medical Genetics, University of Parma
Classification: Pathogenic for Neurofibromatosis type 1. Last evaluated: 2017-02-02. Review status: no assertion criteria provided. Collection method: clinical testing. Allele origin: germline. Affected: yes. Not counted in ClinVar's aggregate classification.

NM_001042492.3(NF1):c.4998dup (p.Pro1667fs)

Gene: NF1 (neurofibromin 1; plus strand). Cytogenetic location: 17q11.2.
Variant type: Duplication.
Coding change: c.4998dup on transcript NM_001042492.3 (MANE Select); coding-DNA position 4998, one base duplicated (T; older notation c.4998dupT).
Protein change: p.Pro1667fs; shifts the reading frame from proline 1667.
Molecular consequence: frameshift variant.
Genome position (GRCh38, 1-based): chr17:31,325,982, T duplicated; the last of 5 consecutive T bases (chr17:31,325,978-31,325,982); duplicating any one gives the same sequence. VCF-style (leftmost placement, unchanged base first): chr17-31325977-G-GT. GRCh37 (hg19) VCF-style: chr17-29652995-G-GT.
Other names: c.4935dupT (NM_000267.3); c.4935dup, p.Pro1646Serfs (NM_000267.4); short protein forms P1646fs, P1667fs.
Identifiers: ClinVar variation 431650 (VCV000431650.4), dbSNP rs1135402867, ClinGen allele CA645373097.